The following is an entry in ClinVar:

ClinVar aggregate classification (germline): Conflicting classifications of pathogenicity. Review status: criteria provided, conflicting classifications (1 of 4 stars). 7 submissions from 7 submitters: Uncertain significance (2); Benign (2); Likely benign (1). 2 of the submissions do not count toward it. Last evaluated 2026-01-26.

Conditions:
VPS13A-related disorder. Also called: VPS13A-related condition.
VPS13A-related neurodegenerative disease. Also called: ACANTHOCYTOSIS WITH NEUROLOGIC DISORDER; Choreoacanthocytosis; Chorea-acanthocytosis; Choreaacanthocytosis; LEVINE-CRITCHLEY SYNDROME; VPS13A Disease. Identifiers: Orphanet 2388, MedGen C0393576, MONDO:0008695, OMIM 200150.

Allele frequency attached by ClinVar (database versions not stated): gnomAD exomes 0.00021 and 0.00072; gnomAD 0.00023 and 0.00032; TOPMed 0.00045; 1000 Genomes Project 30x 0.00047; 1000 Genomes Project 0.00060; ExAC 0.00062.
gnomAD v4.1: 356 of 1,613,448 alleles (0.022%); highest among the groups gnomAD compares: East Asian, 0.71%; no homozygotes.

Submissions (7):

Labcorp Genetics (formerly Invitae), Labcorp
Classification: Benign. Last evaluated: 2026-01-26. Review status: criteria provided, single submitter. Criteria: Invitae Variant Classification Sherloc (09022015). Collection method: clinical testing. Allele origin: germline.

CeGaT Center for Human Genetics Tuebingen
Classification: Uncertain significance. Last evaluated: 2025-01-01. Review status: criteria provided, single submitter. Criteria: CeGaT Center For Human Genetics Tuebingen Variant Classification Criteria Version 2. Collection method: clinical testing. Allele origin: germline. Affected: yes. Observed: 1 variant allele.
Comment: VPS13A: PM2:Supporting, BP4

Blueprint Genetics
Classification: Likely benign. Last evaluated: 2024-10-07. Review status: criteria provided, single submitter. Criteria: ACMG Guidelines, 2015. Collection method: clinical testing. Allele origin: germline.

GeneDx
Classification: Uncertain significance. Last evaluated: 2024-02-27. Review status: criteria provided, single submitter. Criteria: GeneDx Variant Classification Process June 2021. Collection method: clinical testing. Allele origin: germline. Affected: yes.
Comment: Reported in a patient with chorea-acanthocytosis who harbored multiple variants in the VPS13A gene of unknown phase (PMID: 22777538); In silico analysis supports that this missense variant has a deleterious effect on protein structure/function; This variant is associated with the following publications: (PMID: 21145924, 22777538)

Illumina Laboratory Services, Illumina
Classification: Benign for VPS13A-related neurodegenerative disease. Last evaluated: 2017-05-01. Review status: criteria provided, single submitter. Criteria: ICSL Variant Classification Criteria 13 December 2019. Collection method: clinical testing. Allele origin: germline.
Comment: This variant was observed as part of a predisposition screen in an ostensibly healthy population. A literature search was performed for the gene, cDNA change, and amino acid change (where applicable). Publications were found based on this search. The evidence from the literature, in combination with allele frequency data from public databases where available, was sufficient to rule this variant out of causing disease. Therefore, this variant is classified as benign.

Natera, Inc.
Classification: Likely benign for Choreaacanthocytosis. Last evaluated: 2021-06-14. Review status: no assertion criteria provided. Collection method: clinical testing. Allele origin: germline. Not counted in ClinVar's aggregate classification.

PreventionGenetics, part of Exact Sciences
Classification: Benign for VPS13A-related condition. Last evaluated: 2019-09-30. Review status: no assertion criteria provided. Collection method: clinical testing. Allele origin: germline. Not counted in ClinVar's aggregate classification.
Comment: This variant is classified as benign based on ACMG/AMP sequence variant interpretation guidelines (Richards et al. 2015 PMID: 25741868, with internal and published modifications).

Literature cited by the submitters: PubMed 22777538 (cited by Illumina Laboratory Services, Illumina); PubMed 21145924 (cited by Illumina Laboratory Services, Illumina).

NM_033305.3(VPS13A):c.5594C>T (p.Thr1865Ile)

Gene: VPS13A (vacuolar protein sorting 13 homolog A; plus strand). Cytogenetic location: 9q21.2.
Variant type: single nucleotide variant.
Coding change: c.5594C>T on transcript NM_033305.3 (MANE Select); coding-DNA position 5594, C replaced by T.
Protein change: p.Thr1865Ile; replaces threonine 1865 with isoleucine.
Molecular consequence: missense variant.
Genome position (GRCh38, 1-based): chr9:77,321,510, C>T. VCF-style: chr9-77321510-C-T. GRCh37 (hg19) VCF-style: chr9-79936426-C-T.
Other names: c.5477C>T, p.Thr1826Ile (NM_001018037.2); c.5594C>T, p.Thr1865Ile (NM_001018038.3, NM_015186.4); short protein forms T1826I, T1865I.
Identifiers: ClinVar variation 699590 (VCV000699590.35), dbSNP rs143449578, ClinGen allele CA5092818.